The following is an entry in ClinVar:

NM_000059.4(BRCA2):c.6068_6072del (p.Asp2023fs)

Gene: BRCA2 (BRCA2 DNA repair associated; plus strand). Cytogenetic location: 13q13.1.
Variant type: Deletion.
Coding change: c.6068_6072del on transcript NM_000059.4 (MANE Select); coding-DNA positions 6068 to 6072, 5 bases deleted (ACCAG; older notation c.6068_6072delACCAG).
Protein change: p.Asp2023fs; shifts the reading frame from aspartic acid 2023.
Molecular consequence: frameshift variant.
Genome position (GRCh38, 1-based): chr13:32,340,423-32,340,427, ACCAG deleted; deleting any 5 consecutive bases within chr13:32,340,420-32,340,427 gives the same sequence; the c. name uses the placement nearest the transcript's 3' end. VCF-style (leftmost placement, unchanged base first): chr13-32340419-TCAGAC-T. GRCh37 (hg19) VCF-style: chr13-32914556-TCAGAC-T.
Other names: 6296del5; c.6068_6072delACCAG (NM_000059.3); short protein forms D2023fs.
Identifiers: ClinVar variation 51999 (VCV000051999.26), dbSNP rs80359555, ClinGen allele CA023594.

ClinVar aggregate classification (germline): Pathogenic. Review status: reviewed by expert panel (3 of 4 stars). 7 submissions from 7 submitters: Pathogenic (1). 6 of the submissions do not count toward it. Last evaluated 2016-09-08.

Conditions:
Hereditary cancer-predisposing syndrome. Also called: Neoplastic Syndromes, Hereditary; Hereditary neoplastic syndrome; Tumor predisposition; Hereditary Cancer Syndrome. Identifiers: Orphanet 140162, MedGen C0027672, MeSH D009386, MONDO:0015356.
Hereditary breast ovarian cancer syndrome. Also called: Hereditary breast and/or ovarian cancer syndrome; Hereditary breast and ovarian cancer; Hereditary breast and ovarian cancer syndrome (HBOC); Breast and ovarian cancer; BRCA1- and BRCA2-Associated Hereditary Breast and Ovarian Cancer; Hereditary breast and ovarian cancer syndrome. Identifiers: Orphanet 145, MedGen C0677776, MeSH D061325, MONDO:0003582. Disease mechanism: loss of function.
Breast-ovarian cancer, familial, susceptibility to, 2 (BROVCA2). Also called: BRCA2 Hereditary Breast and Ovarian Cancer. Identifiers: Orphanet 145, MedGen C2675520, MONDO:0012933, OMIM 612555. Disease mechanism: loss of function.

Submissions (7):

Evidence-based Network for the Interpretation of Germline Mutant Alleles (ENIGMA)
Classification: Pathogenic for Breast-ovarian cancer, familial, susceptibility to, 2. Last evaluated: 2016-09-08. Review status: reviewed by expert panel. Criteria: ENIGMA BRCA1/2 Classification Criteria (2015). Collection method: curation. Allele origin: germline.
Comment: Variant allele predicted to encode a truncated non-functional protein.

Ambry Genetics
Classification: Pathogenic for Hereditary cancer-predisposing syndrome. Last evaluated: 2026-03-25. Review status: criteria provided, single submitter. Criteria: Ambry Variant Classification Scheme 2023. Collection method: clinical testing. Allele origin: germline. Not counted in ClinVar's aggregate classification.
Comment: The c.6068_6072delACCAG pathogenic mutation, located in coding exon 10 of the BRCA2 gene, results from a deletion of 5 nucleotides at nucleotide positions 6068 to 6072, causing a translational frameshift with a predicted alternate stop codon (p.D2023Afs*24). This variant is considered to be rare based on population cohorts in the Genome Aggregation Database (gnomAD). This alteration is expected to result in loss of function by premature protein truncation or nonsense-mediated mRNA decay. As such, this alteration is interpreted as a disease-causing mutation.

Center for Genomic Medicine, Rigshospitalet, Copenhagen University Hospital
Classification: Pathogenic. Last evaluated: 2025-03-04. Review status: criteria provided, single submitter. Criteria: ACMG Guidelines, 2015. Collection method: clinical testing. Allele origin: germline. Not counted in ClinVar's aggregate classification.

Labcorp Genetics (formerly Invitae), Labcorp
Classification: Pathogenic for Hereditary breast ovarian cancer syndrome. Last evaluated: 2025-01-28. Review status: criteria provided, single submitter. Criteria: Invitae Variant Classification Sherloc (09022015). Collection method: clinical testing. Allele origin: germline. Not counted in ClinVar's aggregate classification.
Comment: This sequence change creates a premature translational stop signal (p.Asp2023Alafs*24) in the BRCA2 gene. It is expected to result in an absent or disrupted protein product. Loss-of-function variants in BRCA2 are known to be pathogenic (PMID: 20104584). This variant is not present in population databases (gnomAD no frequency). This premature translational stop signal has been observed in individual(s) with breast cancer (PMID: 26681312, 28008555). ClinVar contains an entry for this variant (Variation ID: 51999). For these reasons, this variant has been classified as Pathogenic.

Color Diagnostics, LLC DBA Color Health
Classification: Pathogenic for Hereditary cancer-predisposing syndrome. Last evaluated: 2020-01-15. Review status: criteria provided, single submitter. Criteria: ACMG Guidelines, 2015. Collection method: clinical testing. Allele origin: germline. Not counted in ClinVar's aggregate classification.
Comment: This variant deletes 5 nucleotides in exon 11 of the BRCA2 gene, creating a frameshift and premature translation stop signal. This variant is expected to result in an absent or non-functional protein product. This variant has not been identified in the general population by the Genome Aggregation Database (gnomAD). Loss of BRCA2 function is a known mechanism of disease. Based on the available evidence, this variant is classified as Pathogenic.

GeneDx
Classification: Pathogenic. Last evaluated: 2017-09-06. Review status: criteria provided, single submitter. Criteria: GeneDx Variant Classification (06012015). Collection method: clinical testing. Allele origin: germline. Affected: yes. Not counted in ClinVar's aggregate classification.
Comment: This deletion of five nucleotides is denoted BRCA2 c.6068_6072delACCAG at the cDNA level and p.Asp2023AlafsX24 (D2023AfsX24) at the protein level. The normal sequence, with the bases that are deleted in brackets, is TCAG[delACCAG]CTCA. The deletion causes a frameshift, which changes an Aspartic Acid to an Alanine at codon 2023, and creates a premature stop codon at position 24 of the new reading frame. This variant is predicted to cause loss of normal protein function through either protein truncation or nonsense-mediated mRNA decay. BRCA2 c.6068_6072delACCAG has been observed in individuals with breast cancer (female and male)(Susswein 2016, Pritzlaff 2017). We consider it to be pathogenic.

Breast Cancer Information Core (BIC) (BRCA2)
Classification: Pathogenic for Breast-ovarian cancer, familial 2. Last evaluated: 2002-05-29. Review status: no assertion criteria provided. Collection method: clinical testing. Allele origin: germline. Affected: yes. Observed: 1 variant allele. Not counted in ClinVar's aggregate classification.

Literature cited by the submitters: PubMed 28008555 (cited by 3 submitters); PubMed 20104584 (cited by Labcorp Genetics (formerly Invitae), Labcorp); PubMed 26681312 (cited by Labcorp Genetics (formerly Invitae), Labcorp).